The following is an entry in ClinVar:

NM_000540.3(RYR1):c.13162A>G (p.Ser4388Gly)

Gene: RYR1 (ryanodine receptor 1; plus strand). Cytogenetic location: 19q13.2.
Variant type: single nucleotide variant.
Coding change: c.13162A>G on transcript NM_000540.3 (MANE Select); coding-DNA position 13162, A replaced by G.
Protein change: p.Ser4388Gly; replaces serine 4388 with glycine.
Molecular consequence: missense variant.
Genome position (GRCh38, 1-based): chr19:38,565,496, A>G. VCF-style: chr19-38565496-A-G. GRCh37 (hg19) VCF-style: chr19-39056136-A-G.
Other names: c.13147A>G, p.Ser4383Gly (NM_001042723.2); short protein forms S4383G, S4388G.
Identifiers: ClinVar variation 1039244 (VCV001039244.8), dbSNP rs1599635690, ClinGen allele CA405673830.
Genomic context (GRCh38, chr19:38,565,496, plus strand): 5'-GTGGAGGGCGCCAAGAAGGTGACGGTGACCGAGCTCCTGGCAGGCATGCCCGACCCCACC[A>G]GCGACGAGGTGCACGGCGAGCAGCCGGCCGGGCCGGGCGGAGACGCAGACGGCGAGGGTG-3'
Protein context (NP_000531.2, residues 4378-4398): ELLAGMPDPT[Ser4388Gly]DEVHGEQPAG

ClinVar aggregate classification (germline): Uncertain significance (1 of 4 stars; one submission).

Conditions:
RYR1-related disorder. Also called: RYR1-related condition; RYR1-related disorders. Identifiers: MedGen CN239331.

Allele frequency attached by ClinVar (database versions not stated): gnomAD exomes below 0.00001.
gnomAD v4.1: 1 of 1,505,284 alleles (0.000066%); highest among the groups gnomAD compares: Admixed American, 0.0021%; no homozygotes.

Submission:

Labcorp Genetics (formerly Invitae), Labcorp
Classification: Uncertain significance for RYR1-related disorder. Last evaluated: 2024-05-25. Review status: criteria provided, single submitter. Criteria: Invitae Variant Classification Sherloc (09022015). Collection method: clinical testing. Allele origin: germline.
Comment: This sequence change replaces serine, which is neutral and polar, with glycine, which is neutral and non-polar, at codon 4388 of the RYR1 protein (p.Ser4388Gly). This variant is not present in population databases (gnomAD no frequency). This variant has not been reported in the literature in individuals affected with RYR1-related conditions. ClinVar contains an entry for this variant (Variation ID: 1039244). Advanced modeling of protein sequence and biophysical properties (such as structural, functional, and spatial information, amino acid conservation, physicochemical variation, residue mobility, and thermodynamic stability) performed at Invitae indicates that this missense variant is not expected to disrupt RYR1 protein function with a negative predictive value of 95%. In summary, the available evidence is currently insufficient to determine the role of this variant in disease. Therefore, it has been classified as a Variant of Uncertain Significance.